The following is an entry in ClinVar:

ClinVar aggregate classification (germline): Likely pathogenic (1 of 4 stars; one submission).

Conditions:
Osteogenesis imperfecta type I (OI1). Also called: Lobstein disease; OI, TYPE I; OSTEOGENESIS IMPERFECTA TARDA; OSTEOGENESIS IMPERFECTA WITH BLUE SCLERAE; Osteogenesis imperfecta type 1; Lobstein's Disease. Identifiers: Orphanet 216796, Orphanet 666, MedGen C0023931, MONDO:0008146, OMIM 166200. Disease mechanism: loss of function.
Ehlers-Danlos syndrome, classic type, 1 (EDSCL1). Also called: EDS I; EHLERS-DANLOS SYNDROME, GRAVIS TYPE; EHLERS-DANLOS SYNDROME, SEVERE CLASSIC TYPE; Ehlers-Danlos syndrome, type 1; Ehlers-Danlos Syndrome, Classic Type, COL5A1-Related. Identifiers: MedGen C0268335, MONDO:0019567, OMIM 130000.

Allele frequency attached by ClinVar (database versions not stated): gnomAD 0.00001.
gnomAD v4.1: 1 of 1,613,694 alleles (0.000062%); highest among the groups gnomAD compares: African/African-American, 0.0013%; no homozygotes.

Submission:

Labcorp Genetics (formerly Invitae), Labcorp
Classification: Likely pathogenic for Osteogenesis imperfecta type I; Ehlers-Danlos syndrome, classic type, 1. Last evaluated: 2023-02-16. Review status: criteria provided, single submitter. Criteria: Invitae Variant Classification Sherloc (09022015). Collection method: clinical testing. Allele origin: germline.
Comment: Advanced modeling of protein sequence and biophysical properties (such as structural, functional, and spatial information, amino acid conservation, physicochemical variation, residue mobility, and thermodynamic stability) performed at Invitae indicates that this missense variant is expected to disrupt COL1A2 protein function. This variant disrupts the triple helix domain of COL1A2. Glycine residues within the Gly-Xaa-Yaa repeats of the triple helix domain are required for the structure and stability of fibrillar collagens (PMID: 7695699, 8218237, 19344236). In COL1A2, variants affecting these glycine residues are significantly enriched in individuals with disease (PMID: 9016532, 17078022) compared to the general population (ExAC). In summary, the currently available evidence indicates that the variant is pathogenic, but additional data are needed to prove that conclusively. Therefore, this variant has been classified as Likely Pathogenic. This variant has not been reported in the literature in individuals affected with COL1A2-related conditions. This variant is not present in population databases (gnomAD no frequency). This sequence change replaces glycine, which is neutral and non-polar, with aspartic acid, which is acidic and polar, at codon 103 of the COL1A2 protein (p.Gly103Asp).

Literature cited by the submitters: PubMed 7695699; PubMed 8218237; PubMed 19344236; PubMed 9016532; PubMed 17078022.

NM_000089.4(COL1A2):c.308G>A (p.Gly103Asp)

Gene: COL1A2 (collagen type I alpha 2 chain; plus strand). Cytogenetic location: 7q21.3.
Variant type: single nucleotide variant.
Coding change: c.308G>A on transcript NM_000089.4 (MANE Select); coding-DNA position 308, G replaced by A.
Protein change: p.Gly103Asp; replaces glycine 103 with aspartic acid.
Molecular consequence: missense variant.
Genome position (GRCh38, 1-based): chr7:94,404,584, G>A. VCF-style: chr7-94404584-G-A. GRCh37 (hg19) VCF-style: chr7-94033896-G-A.
Other names: short protein forms G103D.
Identifiers: ClinVar variation 2944354 (VCV002944354.3), dbSNP rs1791755938, ClinGen allele CA368219476.